The following is an entry in ClinVar:

ClinVar aggregate classification (germline): Benign/Likely benign. Review status: criteria provided, multiple submitters, no conflicts (2 of 4 stars). 4 submissions from 4 submitters: Benign (1); Likely benign (3). Last evaluated 2026-01-27.

Conditions:
Cardiovascular phenotype. Identifiers: MedGen CN230736.
Atrioventricular septal defect 4 (AVSD4). Identifiers: MedGen C3280781, MONDO:0013747, OMIM 614430.

Allele frequency attached by ClinVar (database versions not stated): ESP Exome Variant Server 0.00008; gnomAD exomes 0.00013 and 0.00040; gnomAD 0.00021 and 0.00025; TOPMed 0.00032; ExAC 0.00039; 1000 Genomes Project 30x 0.00094; 1000 Genomes Project 0.00120.

Submissions (4):

Labcorp Genetics (formerly Invitae), Labcorp
Classification: Benign for Atrioventricular septal defect 4. Last evaluated: 2026-01-27. Review status: criteria provided, single submitter. Criteria: Invitae Variant Classification Sherloc (09022015). Collection method: clinical testing. Allele origin: germline.

Blueprint Genetics
Classification: Likely benign. Last evaluated: 2024-11-27. Review status: criteria provided, single submitter. Criteria: ACMG Guidelines, 2015. Collection method: clinical testing. Allele origin: germline.

GeneDx
Classification: Likely benign. Last evaluated: 2020-09-17. Review status: criteria provided, single submitter. Criteria: GeneDx Variant Classification Process June 2021. Collection method: clinical testing. Allele origin: germline. Affected: yes.
Comment: This variant is associated with the following publications: (PMID: 29325903, 20874241, 18672102, 20659440)

Ambry Genetics
Classification: Likely benign for Cardiovascular phenotype. Last evaluated: 2015-06-18. Review status: criteria provided, single submitter. Criteria: Ambry Variant Classification Scheme 2023. Collection method: clinical testing. Allele origin: germline.

Literature cited by the submitters: PubMed 20659440 (cited by Ambry Genetics).

NM_001308093.3(GATA4):c.726C>T (p.Cys242=)

Gene: GATA4 (GATA binding protein 4). Cytogenetic location: 8p23.1.
Variant type: single nucleotide variant.
Coding change: c.726C>T on transcript NM_001308093.3 (MANE Select); coding-DNA position 726, C replaced by T.
Protein change: p.Cys242=; no amino-acid change (cysteine 242 retained).
Molecular consequence: synonymous variant.
Genome position (GRCh38, 1-based): chr8:11,749,025, C>T. VCF-style: chr8-11749025-C-T. GRCh37 (hg19) VCF-style: chr8-11606534-C-T.
Other names: c.105C>T, p.Cys35= (NM_001308094.2, NM_001374273.1, NM_001374274.1); c.723C>T, p.Cys241= (NM_002052.5).
Identifiers: ClinVar variation 264047 (VCV000264047.20), dbSNP rs1062215, ClinGen allele CA4630662.